The following is an entry in ClinVar:

NM_001206927.2(DNAH8):c.10576G>A (p.Gly3526Arg)

Genes: DNAH8 (dynein axonemal heavy chain 8; plus strand), DNAH8-AS1 (DNAH8 antisense RNA 1; minus strand). Cytogenetic location: 6p21.2.
Variant type: single nucleotide variant.
Coding change: c.10576G>A on transcript NM_001206927.2 (MANE Select); coding-DNA position 10576, G replaced by A.
Protein change: p.Gly3526Arg; replaces glycine 3526 with arginine.
Molecular consequence: missense variant.
Genome position (GRCh38, 1-based): chr6:38,921,420, G>A. VCF-style: chr6-38921420-G-A. GRCh37 (hg19) VCF-style: chr6-38889196-G-A.
Other names: c.9925G>A, p.Gly3309Arg (NM_001371.4); c.10576G>A (NM_001206927.1); short protein forms G3526R, G3309R.
Identifiers: ClinVar variation 1405228 (VCV001405228.6), dbSNP rs199853566, ClinGen allele CA3790766.

ClinVar aggregate classification (germline): Uncertain significance. Review status: criteria provided, multiple submitters, no conflicts (2 of 4 stars). 2 submissions from 2 submitters: Uncertain significance (2). Last evaluated 2025-08-08.

Conditions:
Primary ciliary dyskinesia. Also called: Ciliary dyskinesia. Identifiers: Orphanet 244, MedGen C0008780, MONDO:0016575, HP:0012265.

Allele frequency attached by ClinVar (database versions not stated): ExAC 0.00001; gnomAD 0.00001; gnomAD exomes 0.00001; 1000 Genomes Project 30x 0.00016; 1000 Genomes Project 0.00020.
gnomAD v4.1: 20 of 1,613,798 alleles (0.0012%); highest among the groups gnomAD compares: Non-Finnish European, 0.0016%; no homozygotes.

Submissions (2):

Ambry Genetics
Classification: Uncertain significance. Last evaluated: 2025-08-08. Review status: criteria provided, single submitter. Criteria: Ambry Variant Classification Scheme 2023. Collection method: clinical testing. Allele origin: germline.

Labcorp Genetics (formerly Invitae), Labcorp
Classification: Uncertain significance for Primary ciliary dyskinesia. Last evaluated: 2021-08-31. Review status: criteria provided, single submitter. Criteria: Invitae Variant Classification Sherloc (09022015). Collection method: clinical testing. Allele origin: germline.
Comment: This sequence change replaces glycine with arginine at codon 3526 of the DNAH8 protein (p.Gly3526Arg). The glycine residue is moderately conserved and there is a moderate physicochemical difference between glycine and arginine. This variant is present in population databases (rs199853566, ExAC 0.006%). This variant has not been reported in the literature in individuals affected with DNAH8-related conditions. Algorithms developed to predict the effect of missense changes on protein structure and function are either unavailable or do not agree on the potential impact of this missense change (SIFT: "Deleterious"; PolyPhen-2: "Not Available"; Align-GVGD: "Class C0"). In summary, the available evidence is currently insufficient to determine the role of this variant in disease. Therefore, it has been classified as a Variant of Uncertain Significance.